The following is an entry in ClinVar:

ClinVar aggregate classification (germline): Uncertain significance (1 of 4 stars; one submission).

Submission:

Labcorp Genetics (formerly Invitae), Labcorp
Classification: Uncertain significance. Last evaluated: 2022-02-23. Review status: criteria provided, single submitter. Criteria: Invitae Variant Classification Sherloc (09022015). Collection method: clinical testing. Allele origin: germline.
Comment: This variant, c.2504_2506del, results in the deletion of 1 amino acid(s) of the OCA2 protein (p.Val835del), but otherwise preserves the integrity of the reading frame. This variant is present in population databases (rs751440917, gnomAD 0.02%). This variant has been observed in individual(s) with OCA2-related conditions (PMID: 10987646). This variant is also known as delV833 (2498delTGG). Experimental studies and prediction algorithms are not available or were not evaluated, and the functional significance of this variant is currently unknown. In summary, the available evidence is currently insufficient to determine the role of this variant in disease. Therefore, it has been classified as a Variant of Uncertain Significance.

Literature cited by the submitters: PubMed 10987646.

NM_000275.3(OCA2):c.2498TGG[2] (p.Val835del)

Gene: OCA2 (OCA2 melanosomal transmembrane protein; minus strand). Cytogenetic location: 15q12.
Variant type: Microsatellite.
Coding change: c.2498TGG[2] on transcript NM_000275.3 (MANE Select); two copies in a row of the 3-base unit TGG starting at c.2498; the reference has three copies in a row; one copy, 3 bases deleted.
Protein change: p.Val835del; deletes valine 835.
Molecular consequence: inframe deletion.
Genome position (GRCh38, 1-based): chr15:27,755,399-27,755,401, CCA deleted on the plus strand (TGG on the coding strand, the reverse complement: OCA2 is on the minus strand); deleting any 3 consecutive bases within chr15:27,755,399-27,755,408 gives the same sequence; the position shown is the placement nearest the transcript's 3' end. VCF-style (leftmost placement, unchanged base first): chr15-27755398-CCCA-C. GRCh37 (hg19) VCF-style: chr15-28000544-CCCA-C.
Other names: c.2426TGG[2], p.Val811del (NM_001300984.2); short protein forms V811del, V835del.
Identifiers: ClinVar variation 1437021 (VCV001437021.5), dbSNP rs751440917, ClinGen allele CA7438547.